The following is an entry in ClinVar:

NM_001194.4(HCN2):c.1946G>C (p.Arg649Pro)

Gene: HCN2 (hyperpolarization activated cyclic nucleotide gated potassium and sodium channel 2; plus strand). Cytogenetic location: 19p13.3.
Variant type: single nucleotide variant.
Coding change: c.1946G>C on transcript NM_001194.4 (MANE Select); coding-DNA position 1946, G replaced by C.
Protein change: p.Arg649Pro; replaces arginine 649 with proline.
Molecular consequence: missense variant.
Genome position (GRCh38, 1-based): chr19:613,972, G>C. VCF-style: chr19-613972-G-C. GRCh37 (hg19) VCF-style: chr19-613972-G-C.
Other names: short protein forms R649P.
Identifiers: ClinVar variation 2430392 (VCV002430392.1), dbSNP rs1983785235, ClinGen allele CA402883413.

ClinVar aggregate classification (germline): Uncertain significance (1 of 4 stars; one submission).

Submission:

GeneDx
Classification: Uncertain significance. Last evaluated: 2022-08-22. Review status: criteria provided, single submitter. Criteria: GeneDx Variant Classification Process June 2021. Collection method: clinical testing. Allele origin: germline. Affected: yes.
Comment: Not observed at significant frequency in large population cohorts (gnomAD); In silico analysis supports that this missense variant has a deleterious effect on protein structure/function; Has not been previously published as pathogenic or benign to our knowledge